The following is an entry in ClinVar:

ClinVar aggregate classification (germline): Uncertain significance (1 of 4 stars; one submission).

Submission:

Women's Health and Genetics/Laboratory Corporation of America, LabCorp
Classification: Uncertain significance. Last evaluated: 2024-11-18. Review status: criteria provided, single submitter. Criteria: LabCorp Variant Classification Summary - May 2015. Collection method: clinical testing. Allele origin: germline.
Comment: Variant summary: DCX c.751G>A (p.Ala251Thr) results in a non-conservative amino acid change located in the Doublecortin domain (IPR003533) of the encoded protein sequence. Five of five in-silico tools predict a damaging effect of the variant on protein function. The variant was absent in 181570 control chromosomes. The available data on variant occurrences in the general population are insufficient to allow any conclusion about variant significance. To our knowledge, no occurrence of c.751G>A in individuals affected with DCX-Related Disorders and no experimental evidence demonstrating its impact on protein function have been reported. A different variant affecting the same codon has been classified as pathogenic (c.751G>C (p.Ala251Pro)), supporting the critical relevance of codon 251 to DCX protein function. No submitters have cited clinical-significance assessments for this variant to ClinVar. Based on the evidence outlined above, the variant was classified as uncertain significance.

NM_001195553.2(DCX):c.751G>A (p.Ala251Thr)

Gene: DCX (doublecortin; minus strand). Cytogenetic location: Xq23.
Variant type: single nucleotide variant.
Coding change: c.751G>A on transcript NM_001195553.2 (MANE Select); coding-DNA position 751, G replaced by A.
Protein change: p.Ala251Thr; replaces alanine 251 with threonine.
Molecular consequence: missense variant.
Genome position (GRCh38, 1-based): chrX:111,333,108, C>T on the plus strand (G>A on the coding strand, the complement: DCX is on the minus strand). VCF-style: chrX-111333108-C-T. GRCh37 (hg19) VCF-style: chrX-110576336-C-T.
Other names: c.994G>A, p.Ala332Thr (NM_000555.3); c.751G>A, p.Ala251Thr (NM_001369370.1, NM_001369371.1, NM_001369372.1 and 6 more transcripts); short protein forms A251T, A332T.
Identifiers: ClinVar variation 3630032 (VCV003630032.1).